The following is an entry in ClinVar:

NM_003011.4(SET):c.316T>C (p.Tyr106His)

Gene: SET (SET nuclear proto-oncogene; plus strand). Cytogenetic location: 9q34.11.
Variant type: single nucleotide variant.
Coding change: c.316T>C on transcript NM_003011.4 (MANE Select); coding-DNA position 316, T replaced by C.
Protein change: p.Tyr106His; replaces tyrosine 106 with histidine.
Molecular consequence: missense variant.
Genome position (GRCh38, 1-based): chr9:128,692,703, T>C. VCF-style: chr9-128692703-T-C. GRCh37 (hg19) VCF-style: chr9-131454982-T-C.
Other names: c.355T>C, p.Tyr119His (NM_001122821.2, NM_001374326.1); c.289T>C, p.Tyr97His (NM_001248000.2); c.283T>C, p.Tyr95His (NM_001248001.2); short protein forms Y106H, Y119H, Y95H, Y97H.
Identifiers: ClinVar variation 5040441 (VCV005040441.1).

ClinVar aggregate classification (germline): Uncertain significance (1 of 4 stars; one submission).

gnomAD v4.1: 1 of 1,612,622 alleles (0.000062%); highest among the groups gnomAD compares: Non-Finnish European, 0.000085%; no homozygotes.

Submission:

CeGaT Center for Human Genetics Tuebingen
Classification: Uncertain significance. Last evaluated: 2026-08-01. Review status: criteria provided, single submitter. Criteria: CeGaT Center For Human Genetics Tuebingen Variant Classification Criteria Version 2. Collection method: clinical testing. Allele origin: germline. Affected: yes. Observed: 1 variant allele.
Comment: SET: PM2:Supporting, PP2